The following is an entry in ClinVar:

ClinVar aggregate classification (germline): Uncertain significance (1 of 4 stars; one submission).

Allele frequency attached by ClinVar (database versions not stated): TOPMed below 0.00001; gnomAD 0.00001; 1000 Genomes Project 30x 0.00016; 1000 Genomes Project 0.00020.
gnomAD v4.1: 21 of 1,612,882 alleles (0.0013%); highest among the groups gnomAD compares: East Asian, 0.0045%; no homozygotes.

Submission:

Labcorp Genetics (formerly Invitae), Labcorp
Classification: Uncertain significance. Last evaluated: 2021-08-16. Review status: criteria provided, single submitter. Criteria: Invitae Variant Classification Sherloc (09022015). Collection method: clinical testing. Allele origin: germline.
Comment: This sequence change replaces valine with alanine at codon 710 of the RBP3 protein (p.Val710Ala). The valine residue is weakly conserved and there is a small physicochemical difference between valine and alanine. This variant is present in population databases (rs141453777, ExAC 0.003%). This variant has not been reported in the literature in individuals with RBP3-related conditions. Algorithms developed to predict the effect of missense changes on protein structure and function output the following: SIFT: "Tolerated"; PolyPhen-2: "Benign"; Align-GVGD: "Class C0". The alanine amino acid residue is found in multiple mammalian species, suggesting that this missense change does not adversely affect protein function. These predictions have not been confirmed by published functional studies and their clinical significance is uncertain. In summary, the available evidence is currently insufficient to determine the role of this variant in disease. Therefore, it has been classified as a Variant of Uncertain Significance.

NM_002900.3(RBP3):c.2129T>C (p.Val710Ala)

Gene: RBP3 (retinol binding protein 3; plus strand). Cytogenetic location: 10q11.22.
Variant type: single nucleotide variant.
Coding change: c.2129T>C on transcript NM_002900.3 (MANE Select); coding-DNA position 2129, T replaced by C.
Protein change: p.Val710Ala; replaces valine 710 with alanine.
Molecular consequence: missense variant.
Genome position (GRCh38, 1-based): chr10:47,350,613, T>C. VCF-style: chr10-47350613-T-C. GRCh37 (hg19) VCF-style: chr10-48388749-A-G.
Other names: short protein forms V710A.
Identifiers: ClinVar variation 845513 (VCV000845513.10), dbSNP rs141453777, ClinGen allele CA5487350.